The following is an entry in ClinVar:

NM_001267727.2(ARSG):c.1091G>A (p.Ser364Asn)

Gene: ARSG (arylsulfatase G; plus strand). Cytogenetic location: 17q24.2.
Variant type: single nucleotide variant.
Coding change: c.1091G>A on transcript NM_001267727.2 (MANE Select); coding-DNA position 1091, G replaced by A.
Protein change: p.Ser364Asn; replaces serine 364 with asparagine.
Molecular consequence: missense variant.
Genome position (GRCh38, 1-based): chr17:68,385,172, G>A. VCF-style: chr17-68385172-G-A. GRCh37 (hg19) VCF-style: chr17-66381313-G-A.
Other names: c.1091G>A, p.Ser364Asn (NM_001352910.2, NM_014960.5, NM_001352899.2 and 3 more transcripts); c.1088G>A, p.Ser363Asn (NM_001352903.2, NM_001352904.2, NM_001352905.2 and 2 more transcripts); c.1043G>A, p.Ser348Asn (NM_001352909.2); short protein forms S363N, S348N, S364N.
Identifiers: ClinVar variation 860847 (VCV000860847.6), dbSNP rs534865876, ClinGen allele CA8728461.

ClinVar aggregate classification (germline): Uncertain significance. Review status: criteria provided, multiple submitters, no conflicts (2 of 4 stars). 2 submissions from 2 submitters: Uncertain significance (2). Last evaluated 2024-03-21.

Allele frequency attached by ClinVar (database versions not stated): ExAC 0.00002; gnomAD exomes 0.00002; gnomAD 0.00006 and 0.00007; TOPMed 0.00012; 1000 Genomes Project 0.00020; 1000 Genomes Project 30x 0.00031.
gnomAD v4.1: 55 of 1,613,344 alleles (0.0034%); highest among the groups gnomAD compares: Admixed American, 0.022%; no homozygotes.

Submissions (2):

Blueprint Genetics
Classification: Uncertain significance. Last evaluated: 2024-03-21. Review status: criteria provided, single submitter. Criteria: ACMG Guidelines, 2015. Collection method: clinical testing. Allele origin: germline.

Labcorp Genetics (formerly Invitae), Labcorp
Classification: Uncertain significance. Last evaluated: 2022-10-13. Review status: criteria provided, single submitter. Criteria: Invitae Variant Classification Sherloc (09022015). Collection method: clinical testing. Allele origin: germline.
Comment: This sequence change replaces serine, which is neutral and polar, with asparagine, which is neutral and polar, at codon 364 of the ARSG protein (p.Ser364Asn). This variant also falls at the last nucleotide of exon 9, which is part of the consensus splice site for this exon. This variant is present in population databases (rs534865876, gnomAD 0.004%). This variant has not been reported in the literature in individuals affected with ARSG-related conditions. ClinVar contains an entry for this variant (Variation ID: 860847). Algorithms developed to predict the effect of missense changes on protein structure and function are either unavailable or do not agree on the potential impact of this missense change (SIFT: "Tolerated"; PolyPhen-2: "Probably Damaging"; Align-GVGD: "Class C0"). Variants that disrupt the consensus splice site are a relatively common cause of aberrant splicing (PMID: 17576681, 9536098). Algorithms developed to predict the effect of sequence changes on RNA splicing suggest that this variant may disrupt the consensus splice site. In summary, the available evidence is currently insufficient to determine the role of this variant in disease. Therefore, it has been classified as a Variant of Uncertain Significance.

Literature cited by the submitters: PubMed 17576681 (cited by Labcorp Genetics (formerly Invitae), Labcorp); PubMed 9536098 (cited by Labcorp Genetics (formerly Invitae), Labcorp).